The following is an entry in ClinVar:

NM_002232.5(KCNA3):c.334G>C (p.Gly112Arg)

Gene: KCNA3 (potassium voltage-gated channel subfamily A member 3; minus strand). Cytogenetic location: 1p13.3.
Variant type: single nucleotide variant.
Coding change: c.334G>C on transcript NM_002232.5 (MANE Select); coding-DNA position 334, G replaced by C.
Protein change: p.Gly112Arg; replaces glycine 112 with arginine.
Molecular consequence: missense variant.
Genome position (GRCh38, 1-based): chr1:110,674,476, C>G on the plus strand (G>C on the coding strand, the complement: KCNA3 is on the minus strand). VCF-style: chr1-110674476-C-G. GRCh37 (hg19) VCF-style: chr1-111217098-C-G.
Other names: short protein forms G112R.
Identifiers: ClinVar variation 3287489 (VCV003287489.1).

ClinVar aggregate classification (germline): Uncertain significance (1 of 4 stars; one submission).

Conditions:
Inborn genetic diseases. Identifiers: MedGen C0950123, MeSH D030342.

Submission:

Ambry Genetics
Classification: Uncertain significance for Inborn genetic diseases. Last evaluated: 2024-06-07. Review status: criteria provided, single submitter. Criteria: Ambry Variant Classification Scheme 2023. Collection method: clinical testing. Allele origin: germline.
Comment: The c.334G>C (p.G112R) alteration is located in exon 1 (coding exon 1) of the KCNA3 gene. This alteration results from a G to C substitution at nucleotide position 334, causing the glycine (G) at amino acid position 112 to be replaced by an arginine (R). This variant was not reported in population-based cohorts in the Genome Aggregation Database (gnomAD). This amino acid position is highly conserved in available vertebrate species. This alteration is predicted to be deleterious by in silico analysis. Based on insufficient or conflicting evidence, the clinical significance of this alteration remains unclear.